The following is an entry in ClinVar:

NM_001277115.2(DNAH11):c.1072C>G (p.Arg358Gly)

Gene: DNAH11 (dynein axonemal heavy chain 11; plus strand). Cytogenetic location: 7p15.3.
Variant type: single nucleotide variant.
Coding change: c.1072C>G on transcript NM_001277115.2 (MANE Select); coding-DNA position 1072, C replaced by G.
Protein change: p.Arg358Gly; replaces arginine 358 with glycine.
Molecular consequence: missense variant.
Genome position (GRCh38, 1-based): chr7:21,564,275, C>G. VCF-style: chr7-21564275-C-G. GRCh37 (hg19) VCF-style: chr7-21603893-C-G.
Other names: short protein forms R358G.
Identifiers: ClinVar variation 699550 (VCV000699550.13), dbSNP rs749125298, ClinGen allele CA4178892.

ClinVar aggregate classification (germline): Likely benign. Review status: criteria provided, multiple submitters, no conflicts (2 of 4 stars). 3 submissions from 3 submitters: Likely benign (3). Last evaluated 2026-06-26.

Conditions:
DNAH11-related disorder. Also called: DNAH11-related condition.
Primary ciliary dyskinesia. Also called: Ciliary dyskinesia. Identifiers: Orphanet 244, MedGen C0008780, MONDO:0016575, HP:0012265.

Allele frequency attached by ClinVar (database versions not stated): gnomAD 0.00003; TOPMed 0.00007.
gnomAD v4.1: 78 of 1,613,472 alleles (0.0048%); highest among the groups gnomAD compares: Admixed American, 0.12%; 2 homozygotes.

Submissions (3):

PreventionGenetics, part of Exact Sciences
Classification: Likely benign for DNAH11-related condition. Last evaluated: 2026-06-26. Review status: criteria provided, single submitter. Criteria: ACMG Guidelines, 2015. Collection method: clinical testing. Allele origin: germline.
Comment: This variant is classified as likely benign based on ACMG/AMP sequence variant interpretation guidelines (Richards et al. 2015 PMID: 25741868, with internal and published modifications).

Labcorp Genetics (formerly Invitae), Labcorp
Classification: Likely benign for Primary ciliary dyskinesia. Last evaluated: 2026-01-03. Review status: criteria provided, single submitter. Criteria: Invitae Variant Classification Sherloc (09022015). Collection method: clinical testing. Allele origin: germline.

Ambry Genetics
Classification: Likely benign for Primary ciliary dyskinesia. Last evaluated: 2022-10-14. Review status: criteria provided, single submitter. Criteria: Ambry Variant Classification Scheme 2023. Collection method: clinical testing. Allele origin: germline.